The following is an entry in ClinVar:

NM_016579.4(CD320):c.356G>A (p.Gly119Glu)

Gene: CD320 (CD320 molecule; minus strand). Cytogenetic location: 19p13.2.
Variant type: single nucleotide variant.
Coding change: c.356G>A on transcript NM_016579.4 (MANE Select); coding-DNA position 356, G replaced by A.
Protein change: p.Gly119Glu; replaces glycine 119 with glutamic acid.
Molecular consequence: missense variant.
Genome position (GRCh38, 1-based): chr19:8,304,001, C>T on the plus strand (G>A on the coding strand, the complement: CD320 is on the minus strand). VCF-style: chr19-8304001-C-T. GRCh37 (hg19) VCF-style: chr19-8368885-C-T.
Other names: c.230G>A, p.Gly77Glu (NM_001165895.2); short protein forms G119E, G77E.
Identifiers: ClinVar variation 3700624 (VCV003700624.2).
Genomic context (GRCh38, chr19:8,304,001, plus strand): 5'-CAACGGAGCTCGCCTGCTAGGCAGGCCAGGCGGCTGCAGTTGCGCAGTTTCTTGTCAGTT[C>T]CCCCAGAGCAGTCACTGACGCCGGTGCAGGGGCAGGGGAGGCCAGGGGGCGGTGGGCATT-3'
Protein context (NP_057663.1, residues 109-129): PCTGVSDCSG[Gly119Glu]TDKKLRNCSR

ClinVar aggregate classification (germline): Uncertain significance (1 of 4 stars; one submission).

Conditions:
Methylmalonic acidemia due to transcobalamin receptor defect (MATR). Also called: METHYLMALONIC ACIDEMIA, TCblR TYPE; METHYLMALONIC ACIDURIA, TRANSIENT, DUE TO TRANSCOBALAMIN RECEPTOR DEFECT. Identifiers: Orphanet 280183, MedGen C4749905, MONDO:0013341, OMIM 613646.

Submission:

Labcorp Genetics (formerly Invitae), Labcorp
Classification: Uncertain significance for Methylmalonic acidemia due to transcobalamin receptor defect. Last evaluated: 2024-08-04. Review status: criteria provided, single submitter. Criteria: Invitae Variant Classification Sherloc (09022015). Collection method: clinical testing. Allele origin: germline.
Comment: This sequence change replaces glycine, which is neutral and non-polar, with glutamic acid, which is acidic and polar, at codon 119 of the CD320 protein (p.Gly119Glu). This variant is not present in population databases (gnomAD no frequency). This variant has not been reported in the literature in individuals affected with CD320-related conditions. An algorithm developed to predict the effect of missense changes on protein structure and function outputs the following: PolyPhen-2: "Benign". The glutamic acid amino acid residue is found in multiple mammalian species, which suggests that this missense change does not adversely affect protein function. In summary, the available evidence is currently insufficient to determine the role of this variant in disease. Therefore, it has been classified as a Variant of Uncertain Significance.